The following is an entry in ClinVar:

NM_002529.4(NTRK1):c.1925C>T (p.Ala642Val)

Gene: NTRK1 (neurotrophic receptor tyrosine kinase 1; plus strand). Cytogenetic location: 1q23.1.
Variant type: single nucleotide variant.
Coding change: c.1925C>T on transcript NM_002529.4 (MANE Select); coding-DNA position 1925, C replaced by T.
Protein change: p.Ala642Val; replaces alanine 642 with valine.
Molecular consequence: missense variant.
Genome position (GRCh38, 1-based): chr1:156,879,241, C>T. VCF-style: chr1-156879241-C-T. GRCh37 (hg19) VCF-style: chr1-156849033-C-T.
Other names: c.1817C>T, p.Ala606Val (NM_001007792.1); c.1907C>T, p.Ala636Val (NM_001012331.2); short protein forms A636V, A606V, A642V.
Identifiers: ClinVar variation 658336 (VCV000658336.37), dbSNP rs920692665, ClinGen allele CA342939785.

ClinVar aggregate classification (germline): Uncertain significance. Review status: criteria provided, multiple submitters, no conflicts (2 of 4 stars). 3 submissions from 3 submitters: Uncertain significance (3). Last evaluated 2024-07-23.

Conditions:
Hereditary insensitivity to pain with anhidrosis (CIPA). Also called: INSENSITIVITY TO PAIN, CONGENITAL, WITH ANHIDROSIS; HSAN Type IV; NEUROPATHY, CONGENITAL SENSORY, WITH ANHIDROSIS; hereditary sensory and autonomic neuropathy type 4; NTRK1 Congenital Insensitivity to Pain with Anhidrosis; FAMILIAL DYSAUTONOMIA, TYPE II. Identifiers: Orphanet 642, MedGen C0020074, MONDO:0009746, OMIM 256800.

Allele frequency attached by ClinVar (database versions not stated): gnomAD exomes below 0.00001; gnomAD 0.00001.
gnomAD v4.1: 11 of 1,613,880 alleles (0.00068%); highest among the groups gnomAD compares: Admixed American, 0.005%; no homozygotes.

Submissions (3):

Labcorp Genetics (formerly Invitae), Labcorp
Classification: Uncertain significance for Hereditary insensitivity to pain with anhidrosis. Last evaluated: 2024-07-23. Review status: criteria provided, single submitter. Criteria: Invitae Variant Classification Sherloc (09022015). Collection method: clinical testing. Allele origin: germline.
Comment: This sequence change replaces alanine, which is neutral and non-polar, with valine, which is neutral and non-polar, at codon 636 of the NTRK1 protein (p.Ala636Val). This variant is present in population databases (no rsID available, gnomAD 0.002%). This variant has not been reported in the literature in individuals affected with NTRK1-related conditions. ClinVar contains an entry for this variant (Variation ID: 658336). Advanced modeling of protein sequence and biophysical properties (such as structural, functional, and spatial information, amino acid conservation, physicochemical variation, residue mobility, and thermodynamic stability) performed at Invitae indicates that this missense variant is not expected to disrupt NTRK1 protein function with a negative predictive value of 80%. Algorithms developed to predict the effect of sequence changes on RNA splicing suggest that this variant may create or strengthen a splice site. In summary, the available evidence is currently insufficient to determine the role of this variant in disease. Therefore, it has been classified as a Variant of Uncertain Significance.

Genome-Nilou Lab
Classification: Uncertain significance for Hereditary insensitivity to pain with anhidrosis. Last evaluated: 2023-04-11. Review status: criteria provided, single submitter. Criteria: ACMG Guidelines, 2015. Collection method: clinical testing. Allele origin: germline. Affected: no.

CeGaT Center for Human Genetics Tuebingen
Classification: Uncertain significance. Last evaluated: 2022-01-01. Review status: criteria provided, single submitter. Criteria: CeGaT Center For Human Genetics Tuebingen Variant Classification Criteria Version 2. Collection method: clinical testing. Allele origin: germline. Affected: yes. Observed: 1 variant allele.